The following is an entry in ClinVar:

ClinVar aggregate classification (germline): Uncertain significance (1 of 4 stars; one submission).

gnomAD v4.1: 2 of 1,493,804 alleles (0.00013%); highest among the groups gnomAD compares: Non-Finnish European, 0.00018%; no homozygotes.

Submission:

Ambry Genetics
Classification: Uncertain significance. Last evaluated: 2025-07-18. Review status: criteria provided, single submitter. Criteria: Ambry Variant Classification Scheme 2023. Collection method: clinical testing. Allele origin: germline.
Comment: The p.I1797V variant (also known as c.5389A>G), located in coding exon 22 of the WNK2 gene, results from an A to G substitution at nucleotide position 5389. The isoleucine at codon 1797 is replaced by valine, an amino acid with highly similar properties. This amino acid position is conserved. In addition, this alteration is predicted to be tolerated by in silico analysis. Based on the available evidence, the clinical significance of this variant remains unclear.

NM_006648.4(WNK2):c.5389A>G (p.Ile1797Val)

Gene: WNK2 (WNK lysine deficient protein kinase 2; plus strand). Cytogenetic location: 9q22.31.
Variant type: single nucleotide variant.
Coding change: c.5389A>G on transcript NM_006648.4 (MANE Select); coding-DNA position 5389, A replaced by G.
Protein change: p.Ile1797Val; replaces isoleucine 1797 with valine.
Molecular consequence: missense variant.
Genome position (GRCh38, 1-based): chr9:93,292,854, A>G. VCF-style: chr9-93292854-A-G. GRCh37 (hg19) VCF-style: chr9-96055136-A-G.
Other names: c.5500A>G, p.Ile1834Val (NM_001282394.3); short protein forms I1834V, I1797V.
Identifiers: ClinVar variation 4201638 (VCV004201638.1).